The following is an entry in ClinVar:

NM_001035.3(RYR2):c.9989C>A (p.Ala3330Glu)

Gene: RYR2 (ryanodine receptor 2; plus strand). Cytogenetic location: 1q43.
Variant type: single nucleotide variant.
Coding change: c.9989C>A on transcript NM_001035.3 (MANE Select); coding-DNA position 9989, C replaced by A.
Protein change: p.Ala3330Glu; replaces alanine 3330 with glutamic acid.
Molecular consequence: missense variant.
Genome position (GRCh38, 1-based): chr1:237,708,945, C>A. VCF-style: chr1-237708945-C-A. GRCh37 (hg19) VCF-style: chr1-237872245-C-A.
Other names: short protein forms A3330E.
Identifiers: ClinVar variation 3075082 (VCV003075082.1), dbSNP rs866466402, ClinGen allele CA39793443.
Genomic context (GRCh38, chr1:237,708,945, plus strand): 5'-TGAAACCTCAGCTCTTGAAAACTCATTTCTTGCCGTTAATGGAGAAACTCAAGAAAAAGG[C>A]AGCTACGGTGGTGTCTGAGGAAGACCACCTGAAAGCTGAGGCCAGGGGGGACATGTCGGA-3'
Protein context (NP_001026.2, residues 3320-3340): LPLMEKLKKK[Ala3330Glu]ATVVSEEDHL

ClinVar aggregate classification (germline): Uncertain significance (1 of 4 stars; one submission).

Conditions:
Catecholaminergic polymorphic ventricular tachycardia (CVPT). Also called: Catecholamine-induced polymorphic ventricular tachycardia. Identifiers: Orphanet 3286, MedGen C5574922, MONDO:0017990.

Submission:

All of Us Research Program, National Institutes of Health
Classification: Uncertain significance for Catecholaminergic polymorphic ventricular tachycardia. Last evaluated: 2023-12-18. Review status: criteria provided, single submitter. Criteria: ACMG Guidelines, 2015. Collection method: clinical testing. Allele origin: germline. Inheritance: Autosomal dominant inheritance. Observed: 1 variant allele, 1 heterozygote.
Comment: This missense variant replaces alanine with glutamic acid at codon 3330 of the RYR2 protein. Computational prediction tool predicts that this variant may have an uncertain impact on protein structure and function. To our knowledge, functional studies have not been reported for this variant. This variant has not been reported in individuals affected with RYR2-related disorders in the literature. This variant has not been identified in the general population by the Genome Aggregation Database (gnomAD). The available evidence is insufficient to determine the role of this variant in disease conclusively. Therefore, this variant is classified as a Variant of Uncertain Significance.

This study involves interpretation of variants in research participants for the purpose of population health screening. Participant phenotype was not available at the time of variant classification. Additional details can be found in publication PMID: 35346344, PMCID: PMC8962531